The following is an entry in ClinVar:

NM_000548.5(TSC2):c.1839G>A (p.Gln613=)

Gene: TSC2 (TSC complex subunit 2; plus strand). Cytogenetic location: 16p13.3.
Variant type: single nucleotide variant.
Coding change: c.1839G>A on transcript NM_000548.5 (MANE Select); coding-DNA position 1839, G replaced by A.
Protein change: p.Gln613=; no amino-acid change (glutamine 613 retained).
Molecular consequence: synonymous variant.
Genome position (GRCh38, 1-based): chr16:2,070,578, G>A. VCF-style: chr16-2070578-G-A. GRCh37 (hg19) VCF-style: chr16-2120579-G-A.
Other names: c.1839G>A, p.Gln613= (NM_001077183.3, NM_001114382.3, NM_001363528.2 and 3 more transcripts); c.1728G>A, p.Gln576= (NM_001318827.2); c.1692G>A, p.Gln564= (NM_001318829.2); c.1239G>A, p.Gln413= (NM_001318831.2); c.1872G>A, p.Gln624= (NM_001318832.2).
Identifiers: ClinVar variation 1475831 (VCV001475831.8), dbSNP rs1555505208, ClinGen allele CA492949995.

ClinVar aggregate classification (germline): Uncertain significance. Review status: criteria provided, multiple submitters, no conflicts (2 of 4 stars). 2 submissions from 2 submitters: Uncertain significance (2). Last evaluated 2024-12-02.

Conditions:
Tuberous sclerosis 2 (TSC2). Identifiers: Orphanet 805, MedGen C1860707, MONDO:0013199, OMIM 613254.
Hereditary cancer-predisposing syndrome. Also called: Hereditary neoplastic syndrome; Tumor predisposition; Neoplastic Syndromes, Hereditary; Hereditary Cancer Syndrome. Identifiers: Orphanet 140162, MedGen C0027672, MeSH D009386, MONDO:0015356.

Submissions (2):

Labcorp Genetics (formerly Invitae), Labcorp
Classification: Uncertain significance for Tuberous sclerosis 2. Last evaluated: 2024-12-02. Review status: criteria provided, single submitter. Criteria: Invitae Variant Classification Sherloc (09022015). Collection method: clinical testing. Allele origin: germline.
Comment: This sequence change affects codon 613 of the TSC2 mRNA. It is a 'silent' change, meaning that it does not change the encoded amino acid sequence of the TSC2 protein. This variant also falls at the last nucleotide of exon 17, which is part of the consensus splice site for this exon. This variant is not present in population databases (gnomAD no frequency). This variant has not been reported in the literature in individuals affected with TSC2-related conditions. ClinVar contains an entry for this variant (Variation ID: 1475831). Variants that disrupt the consensus splice site are a relatively common cause of aberrant splicing (PMID: 17576681, 9536098). Algorithms developed to predict the effect of sequence changes on RNA splicing suggest that this variant may disrupt the consensus splice site. In summary, the available evidence is currently insufficient to determine the role of this variant in disease. Therefore, it has been classified as a Variant of Uncertain Significance.

Ambry Genetics
Classification: Uncertain significance for Hereditary cancer-predisposing syndrome. Last evaluated: 2021-07-23. Review status: criteria provided, single submitter. Criteria: Ambry Variant Classification Scheme 2023. Collection method: clinical testing. Allele origin: germline.
Comment: The c.1839G>A variant (also known as p.Q613Q), located in coding exon 16 of the TSC2 gene, results from a G to A substitution at nucleotide position 1839. This nucleotide substitution does not change the glutamine at codon 613. However, this change occurs in the last base pair of coding exon 16, which makes it likely to have some effect on normal mRNA splicing. This nucleotide position is highly conserved in available vertebrate species. In silico splice site analysis predicts that this alteration may result in the creation or strengthening of a novel splice donor site. Since supporting evidence is limited at this time, the clinical significance of this alteration remains unclear.

Literature cited by the submitters: PubMed 17576681 (cited by Labcorp Genetics (formerly Invitae), Labcorp); PubMed 9536098 (cited by Labcorp Genetics (formerly Invitae), Labcorp).